The following is an entry in ClinVar:

NM_000500.9(CYP21A2):c.448C>T (p.Arg150Cys)

Genes: CYP21A2 (cytochrome P450 family 21 subfamily A member 2; plus strand), LOC106780800 (CYP21A2 recombination region; plus strand). Cytogenetic location: 6p21.33.
Variant type: single nucleotide variant.
Coding change: c.448C>T on transcript NM_000500.9 (MANE Select); coding-DNA position 448, C replaced by T.
Protein change: p.Arg150Cys; replaces arginine 150 with cysteine.
Molecular consequence: missense variant.
Genome position (GRCh38, 1-based): chr6:32,039,356, C>T. VCF-style: chr6-32039356-C-T. GRCh37 (hg19) VCF-style: chr6-32007133-C-T.
Other names: c.358C>T, p.Arg120Cys (NM_001128590.4); c.43C>T, p.Arg15Cys (NM_001368143.2, NM_001368144.2); short protein forms R120C, R150C, R15C.
Identifiers: ClinVar variation 1807427 (VCV001807427.5), dbSNP rs577450124, ClinGen allele CA3732403.

ClinVar aggregate classification (germline): Conflicting classifications of pathogenicity. Review status: criteria provided, conflicting classifications (1 of 4 stars). 5 submissions from 5 submitters: Pathogenic (1); Likely pathogenic (2); Uncertain significance (2). Last evaluated 2026-03-19.

Conditions:
CYP21A2-related disorder. Also called: CYP21A2-related condition.
Inborn genetic diseases. Identifiers: MedGen C0950123, MeSH D030342.
21-Hydroxylase-Deficient Congenital Adrenal Hyperplasia. Also called: ADRENAL HYPERPLASIA, CONGENITAL, DUE TO 21-HYDROXYLASE DEFICIENCY; ADRENAL HYPERPLASIA III. Identifiers: MedGen C2936858, OMIM 201910.

Allele frequency attached by ClinVar (database versions not stated): gnomAD 0.00004; 1000 Genomes Project 30x 0.00016; 1000 Genomes Project 0.00020.

Submissions (5):

PreventionGenetics, part of Exact Sciences
Classification: Pathogenic for CYP21A2-related condition. Last evaluated: 2026-03-19. Review status: criteria provided, single submitter. Criteria: ACMG Guidelines, 2015. Collection method: clinical testing. Allele origin: germline.
Comment: The CYP21A2 c.448C>T variant is predicted to result in the amino acid substitution p.Arg150Cys. Also known as R149C in the literature, this variant has been reported to be pathogenic and associated with non-classic congenital adrenal hyperplasia (CAH) (Minutolo et al. 2011. PubMed ID: 21264314; Haider et al. 2013. PubMed ID: 23359706; Taboas et al. 2014. PubMed ID: 24667412; Simonetti et al. 2017. PubMed ID: 29035424; Fernández et al. 2020. PubMed ID: 32289882). This variant is not among the common deleterious variants originating from the pseudogene CYP21A1P. This variant is reported in 0.024% of alleles in individuals of African descent in gnomAD. This variant falls within a highly paralogous region. Allele frequency data should be interpreted with caution. This variant is interpreted as pathogenic.

Ambry Genetics
Classification: Uncertain significance for Inborn genetic diseases. Last evaluated: 2025-06-30. Review status: criteria provided, single submitter. Criteria: Ambry Variant Classification Scheme 2023. Collection method: clinical testing. Allele origin: germline.
Comment: The c.448C>T (p.R150C) alteration is located in exon 4 (coding exon 4) of the CYP21A2 gene. This alteration results from a C to T substitution at nucleotide position 448, causing the arginine (R) at amino acid position 150 to be replaced by a cysteine (C). Based on data from gnomAD, the T allele has an overall frequency of 0.004% (9/247334) total alleles studied. The highest observed frequency was 0.024% (5/21262) of African alleles. This variant has been identified in the homozygous state and/or in conjunction with other CYP21A2 variant(s) in individual(s) with features consistent with 21-hydroxylase deficiency (Minutolo, 2011; external communication). This amino acid position is not well conserved in available vertebrate species. Functional studies suggest a loss of function; however, additional evidence is needed to confirm this finding (Taboas, 2014). The in silico prediction for this alteration is inconclusive. Based on insufficient or conflicting evidence, the clinical significance of this alteration remains unclear.

Blueprint Genetics
Classification: Uncertain significance. Last evaluated: 2024-03-01. Review status: criteria provided, single submitter. Criteria: ACMG Guidelines, 2015. Collection method: clinical testing. Allele origin: germline.

Newborn Screening Ontario, Children's Hospital of Eastern Ontario (CHEO)
Classification: Likely pathogenic for 21-Hydroxylase-Deficient Congenital Adrenal Hyperplasia. Last evaluated: 2022-08-30. Review status: criteria provided, single submitter. Criteria: ACMG Guidelines, 2015. Collection method: clinical testing. Allele origin: germline. Inheritance: Autosomal recessive inheritance.

Athena Diagnostics
Classification: Likely pathogenic. Last evaluated: 2022-05-24. Review status: criteria provided, single submitter. Criteria: Athena Diagnostics Criteria. Collection method: clinical testing. Allele origin: unknown.
Comment: Frequency data for this variant in the general population cannot be distinguished from that of the CYP21P pseudogene, and are therefore uninformative in assessment of variant pathogenicity. This variant has been reported to associate with non-classic congenital adrenal hyperplasia (CAH). Assessment of experimental evidence suggests this variant results in abnormal protein function. In vitro experiments demonstrate reduced enzymatic activity (PMID: 24667412).

Literature cited by the submitters: PubMed 21264314 (cited by Ambry Genetics and Athena Diagnostics); PubMed 24667412 (cited by Ambry Genetics and Athena Diagnostics); PubMed 29035424 (cited by Athena Diagnostics); PubMed 32289882 (cited by Athena Diagnostics); PubMed 23359706 (cited by Athena Diagnostics).